The following is an entry in ClinVar:

NM_130384.3(ATRIP):c.2335G>T (p.Ala779Ser)

Genes: ATRIP (ATR interacting protein; plus strand), ATRIP-TREX1 (ATRIP-TREX1 readthrough; plus strand), LOC129936704 (ATAC-STARR-seq lymphoblastoid active region 19829; plus strand). Cytogenetic location: 3p21.31.
Variant type: single nucleotide variant.
Coding change: c.2335G>T on transcript NM_130384.3 (MANE Select); coding-DNA position 2335, G replaced by T.
Protein change: p.Ala779Ser; replaces alanine 779 with serine.
Molecular consequence: missense variant. On other transcripts: non-coding transcript variant (1).
Genome position (GRCh38, 1-based): chr3:48,465,513, G>T. VCF-style: chr3-48465513-G-T. GRCh37 (hg19) VCF-style: chr3-48506912-G-T.
Other names: c.1954G>T, p.Ala652Ser (NM_001271022.2); c.2056G>T, p.Ala686Ser (NM_001271023.2); c.2254G>T, p.Ala752Ser (NM_032166.4); short protein forms A686S, A779S, A652S, A752S.
Identifiers: ClinVar variation 3976022 (VCV003976022.1).

ClinVar aggregate classification (germline): Uncertain significance (1 of 4 stars; one submission).

Submission:

Ambry Genetics
Classification: Uncertain significance. Last evaluated: 2025-04-09. Review status: criteria provided, single submitter. Criteria: Ambry Variant Classification Scheme 2023. Collection method: clinical testing. Allele origin: germline.
Comment: The p.A779S variant (also known as c.2335G>T), located in coding exon 13 of the ATRIP gene, results from a G to T substitution at nucleotide position 2335. The alanine at codon 779 is replaced by serine, an amino acid with similar properties. This amino acid position is conserved. In addition, this alteration is predicted to be tolerated by in silico analysis. Based on the available evidence, the clinical significance of this variant remains unclear.